The following is an entry in ClinVar:

NM_001440.4(EXTL3):c.2148+5T>C

Gene: EXTL3 (exostosin like glycosyltransferase 3; plus strand). Cytogenetic location: 8p21.1.
Variant type: single nucleotide variant.
Coding change: c.2148+5T>C on transcript NM_001440.4 (MANE Select); 5 bases into the intron after coding-DNA position 2148, T replaced by C.
Molecular consequence: intron variant.
Genome position (GRCh38, 1-based): chr8:28,718,212, T>C. VCF-style: chr8-28718212-T-C. GRCh37 (hg19) VCF-style: chr8-28575729-T-C.
Identifiers: ClinVar variation 2959973 (VCV002959973.3), dbSNP rs1350478750, ClinGen allele CA580955808.

ClinVar aggregate classification (germline): Uncertain significance (1 of 4 stars; one submission).

Allele frequency attached by ClinVar (database versions not stated): TOPMed below 0.00001; gnomAD 0.00001; gnomAD exomes 0.00005.
gnomAD v4.1: 74 of 1,613,504 alleles (0.0046%); highest among the groups gnomAD compares: Non-Finnish European, 0.0062%; no homozygotes.

Submission:

Labcorp Genetics (formerly Invitae), Labcorp
Classification: Uncertain significance. Last evaluated: 2023-08-19. Review status: criteria provided, single submitter. Criteria: Invitae Variant Classification Sherloc (09022015). Collection method: clinical testing. Allele origin: germline.
Comment: This sequence change falls in intron 3 of the EXTL3 gene. It does not directly change the encoded amino acid sequence of the EXTL3 protein. It affects a nucleotide within the consensus splice site. This variant is present in population databases (no rsID available, gnomAD 0.004%). This variant has not been reported in the literature in individuals affected with EXTL3-related conditions. Variants that disrupt the consensus splice site are a relatively common cause of aberrant splicing (PMID: 17576681, 9536098). Algorithms developed to predict the effect of sequence changes on RNA splicing suggest that this variant may disrupt the consensus splice site. In summary, the available evidence is currently insufficient to determine the role of this variant in disease. Therefore, it has been classified as a Variant of Uncertain Significance.

Literature cited by the submitters: PubMed 17576681; PubMed 9536098.